The following is an entry in ClinVar:

ClinVar aggregate classification (germline): Likely benign (1 of 4 stars; one submission).

Allele frequency attached by ClinVar (database versions not stated): 1000 Genomes Project 0.00120; 1000 Genomes Project 30x 0.00156; ESP Exome Variant Server 0.00241; gnomAD 0.00252; gnomAD exomes 0.00253; TOPMed 0.00294; ExAC 0.00377.

Submissions (25):

CeGaT Center for Human Genetics Tuebingen
Classification: Likely benign. Last evaluated: 2023-09-01. Review status: criteria provided, single submitter. Criteria: CeGaT Center For Human Genetics Tuebingen Variant Classification Criteria Version 2. Collection method: clinical testing. Allele origin: germline. Affected: yes. Observed: 1 variant allele.
Comment: ENSG00000288587: BS2; MICA: BS2

Dr. Peter K. Rogan Lab, Western University
No classification provided (evidence only). Condition: Malignant tumor of urinary bladder. Review status: no classification provided. Collection method: in vitro. Allele origin: not applicable. Functional consequence: retained intron. Not counted in ClinVar's aggregate classification.

Dr. Peter K. Rogan Lab, Western University
No classification provided (evidence only). Condition: Clear cell carcinoma of kidney. Review status: no classification provided. Collection method: in vitro. Allele origin: not applicable. Functional consequence: skipped exon, retained intron. Not counted in ClinVar's aggregate classification.

Dr. Peter K. Rogan Lab, Western University
No classification provided (evidence only). Condition: Lung cancer. Review status: no classification provided. Collection method: in vitro. Allele origin: not applicable. Functional consequence: retained intron. Not counted in ClinVar's aggregate classification.

Dr. Peter K. Rogan Lab, Western University
No classification provided (evidence only). Condition: Familial cancer of breast. Review status: no classification provided. Collection method: in vitro. Allele origin: not applicable. Functional consequence: skipped exon, retained intron. Not counted in ClinVar's aggregate classification.

Dr. Peter K. Rogan Lab, Western University
No classification provided (evidence only). Condition: Familial cancer of breast. Review status: no classification provided. Collection method: in vitro. Allele origin: not applicable. Functional consequence: skipped exon, retained intron. Not counted in ClinVar's aggregate classification.

Dr. Peter K. Rogan Lab, Western University
No classification provided (evidence only). Condition: Familial cancer of breast. Review status: no classification provided. Collection method: in vitro. Allele origin: not applicable. Functional consequence: skipped exon, retained intron. Not counted in ClinVar's aggregate classification.

Dr. Peter K. Rogan Lab, Western University
No classification provided (evidence only). Condition: Colon adenocarcinoma. Review status: no classification provided. Collection method: in vitro. Allele origin: not applicable. Functional consequence: retained intron. Not counted in ClinVar's aggregate classification.

Dr. Peter K. Rogan Lab, Western University
No classification provided (evidence only). Condition: Thyroid cancer, nonmedullary, 1. Review status: no classification provided. Collection method: in vitro. Allele origin: not applicable. Functional consequence: retained intron. Not counted in ClinVar's aggregate classification.

Dr. Peter K. Rogan Lab, Western University
No classification provided (evidence only). Condition: Uterine corpus endometrial carcinoma. Review status: no classification provided. Collection method: in vitro. Allele origin: not applicable. Functional consequence: retained intron. Not counted in ClinVar's aggregate classification.

Dr. Peter K. Rogan Lab, Western University
No classification provided (evidence only). Condition: Sarcoma. Review status: no classification provided. Collection method: in vitro. Allele origin: not applicable. Functional consequence: skipped exon, retained intron. Not counted in ClinVar's aggregate classification.

Dr. Peter K. Rogan Lab, Western University
No classification provided (evidence only). Condition: Sarcoma. Review status: no classification provided. Collection method: in vitro. Allele origin: not applicable. Functional consequence: skipped exon, retained intron. Not counted in ClinVar's aggregate classification.

Dr. Peter K. Rogan Lab, Western University
No classification provided (evidence only). Condition: Malignant lymphoma, large B-cell, diffuse. Review status: no classification provided. Collection method: in vitro. Allele origin: not applicable. Functional consequence: retained intron. Not counted in ClinVar's aggregate classification.

Dr. Peter K. Rogan Lab, Western University
No classification provided (evidence only). Condition: Ovarian serous cystadenocarcinoma. Review status: no classification provided. Collection method: in vitro. Allele origin: not applicable. Functional consequence: retained intron. Not counted in ClinVar's aggregate classification.

Dr. Peter K. Rogan Lab, Western University
No classification provided (evidence only). Condition: Ovarian serous cystadenocarcinoma. Review status: no classification provided. Collection method: in vitro. Allele origin: not applicable. Functional consequence: retained intron. Not counted in ClinVar's aggregate classification.

Dr. Peter K. Rogan Lab, Western University
No classification provided (evidence only). Condition: Ovarian serous cystadenocarcinoma. Review status: no classification provided. Collection method: in vitro. Allele origin: not applicable. Functional consequence: retained intron. Not counted in ClinVar's aggregate classification.

Dr. Peter K. Rogan Lab, Western University
No classification provided (evidence only). Condition: Ovarian serous cystadenocarcinoma. Review status: no classification provided. Collection method: in vitro. Allele origin: not applicable. Functional consequence: retained intron. Not counted in ClinVar's aggregate classification.

Dr. Peter K. Rogan Lab, Western University
No classification provided (evidence only). Condition: Ovarian serous cystadenocarcinoma. Review status: no classification provided. Collection method: in vitro. Allele origin: not applicable. Functional consequence: retained intron. Not counted in ClinVar's aggregate classification.

Dr. Peter K. Rogan Lab, Western University
No classification provided (evidence only). Condition: Gastric cancer. Review status: no classification provided. Collection method: in vitro. Allele origin: not applicable. Functional consequence: retained intron. Not counted in ClinVar's aggregate classification.

Dr. Peter K. Rogan Lab, Western University
No classification provided (evidence only). Condition: Gastric cancer. Review status: no classification provided. Collection method: in vitro. Allele origin: not applicable. Functional consequence: retained intron. Not counted in ClinVar's aggregate classification.

Dr. Peter K. Rogan Lab, Western University
No classification provided (evidence only). Condition: Adrenocortical carcinoma, hereditary. Review status: no classification provided. Collection method: in vitro. Allele origin: not applicable. Functional consequence: skipped exon, retained intron. Not counted in ClinVar's aggregate classification.

Dr. Peter K. Rogan Lab, Western University
No classification provided (evidence only). Condition: Uterine carcinosarcoma. Review status: no classification provided. Collection method: in vitro. Allele origin: not applicable. Functional consequence: retained intron. Not counted in ClinVar's aggregate classification.

Dr. Peter K. Rogan Lab, Western University
No classification provided (evidence only). Condition: Chronic lymphocytic leukemia/small lymphocytic lymphoma. Review status: no classification provided. Collection method: in vitro. Allele origin: not applicable. Functional consequence: retained intron. Not counted in ClinVar's aggregate classification.

Dr. Peter K. Rogan Lab, Western University
No classification provided (evidence only). Condition: Lymphoma. Review status: no classification provided. Collection method: in vitro. Allele origin: not applicable. Functional consequence: skipped exon, retained intron. Not counted in ClinVar's aggregate classification.

Dr. Peter K. Rogan Lab, Western University
No classification provided (evidence only). Condition: Lymphoma. Review status: no classification provided. Collection method: in vitro. Allele origin: not applicable. Functional consequence: skipped exon, retained intron. Not counted in ClinVar's aggregate classification.

NM_001177519.3(MICA):c.325+1G>A

Gene: MICA (MHC class I polypeptide-related sequence A; plus strand). Cytogenetic location: 6p21.33.
Variant type: single nucleotide variant.
Coding change: c.325+1G>A on transcript NM_001177519.3 (MANE Select); the canonical splice donor site of the intron after coding-DNA position 325, G replaced by A.
Molecular consequence: splice donor variant.
Genome position (GRCh38, 1-based): chr6:31,410,798, G>A. VCF-style: chr6-31410798-G-A. GRCh37 (hg19) VCF-style: chr6-31378575-G-A.
Other names: NC_000006.11:g.31378575G>A; c.34+1G>A (NM_001289152.2, NM_001289153.2); c.83+1G>A (NM_001289154.2).
Identifiers: ClinVar variation 2656400 (VCV002656400.24), dbSNP rs181430930, ClinGen allele CA3712117.